The following is an entry in ClinVar:

NM_001572.5(IRF7):c.1268G>C (p.Arg423Pro)

Gene: IRF7 (interferon regulatory factor 7; minus strand). Cytogenetic location: 11p15.5.
Variant type: single nucleotide variant.
Coding change: c.1268G>C on transcript NM_001572.5 (MANE Select); coding-DNA position 1268, G replaced by C.
Protein change: p.Arg423Pro; replaces arginine 423 with proline.
Molecular consequence: missense variant.
Genome position (GRCh38, 1-based): chr11:613,087, C>G on the plus strand (G>C on the coding strand, the complement: IRF7 is on the minus strand). VCF-style: chr11-613087-C-G. GRCh37 (hg19) VCF-style: chr11-613087-C-G.
Other names: c.1181G>C, p.Arg394Pro (NM_004029.4); c.1307G>C, p.Arg436Pro (NM_004031.4); c.1268G>C, p.Arg423Pro (LRG_1313t1); short protein forms R423P, R436P, R394P.
Identifiers: ClinVar variation 476071 (VCV000476071.11), dbSNP rs149039709, ClinGen allele CA5783513.

ClinVar aggregate classification (germline): Uncertain significance. Review status: criteria provided, multiple submitters, no conflicts (2 of 4 stars). 2 submissions from 2 submitters: Uncertain significance (2). Last evaluated 2025-12-16.

Conditions:
Immunodeficiency 39 (IMD39). Identifiers: Orphanet 574918, MedGen C4225358, MONDO:0014597, OMIM 616345.

Allele frequency attached by ClinVar (database versions not stated): 1000 Genomes Project 30x 0.00016; 1000 Genomes Project 0.00020; gnomAD 0.00022; ESP Exome Variant Server 0.00031; TOPMed 0.00038.

Submissions (2):

Labcorp Genetics (formerly Invitae), Labcorp
Classification: Uncertain significance for Immunodeficiency 39. Last evaluated: 2025-12-16. Review status: criteria provided, single submitter. Criteria: Invitae Variant Classification Sherloc (09022015). Collection method: clinical testing. Allele origin: germline.
Comment: This sequence change replaces arginine, which is basic and polar, with proline, which is neutral and non-polar, at codon 436 of the IRF7 protein (p.Arg436Pro). This variant is present in population databases (rs149039709, gnomAD 0.05%), and has an allele count higher than expected for a pathogenic variant. This variant has not been reported in the literature in individuals affected with IRF7-related conditions. ClinVar contains an entry for this variant (Variation ID: 476071). An algorithm developed to predict the effect of missense changes on protein structure and function outputs the following: PolyPhen-2: "Benign". The proline amino acid residue is found in multiple mammalian species, which suggests that this missense change does not adversely affect protein function. In summary, the available evidence is currently insufficient to determine the role of this variant in disease. Therefore, it has been classified as a Variant of Uncertain Significance.

Fulgent Genetics
Classification: Uncertain significance for Immunodeficiency 39. Last evaluated: 2022-05-23. Review status: criteria provided, single submitter. Criteria: ACMG Guidelines, 2015. Collection method: clinical testing. Allele origin: unknown.